The following is an entry in ClinVar:

NM_001378120.1(MBD5):c.-556-8T>C

Gene: MBD5 (methyl-CpG binding domain protein 5; plus strand). Cytogenetic location: 2q23.1.
Variant type: single nucleotide variant.
Coding change: c.-556-8T>C on transcript NM_001378120.1 (MANE Select); 8 bases into the intron before 556 bases upstream of the start codon, T replaced by C.
Molecular consequence: intron variant.
Genome position (GRCh38, 1-based): chr2:148,458,195, T>C. VCF-style: chr2-148458195-T-C. GRCh37 (hg19) VCF-style: chr2-149215764-T-C.
Other names: c.-556-8T>C (NM_018328.5).
Identifiers: ClinVar variation 138171 (VCV000138171.28), dbSNP rs140968376, ClinGen allele CA292015.

ClinVar aggregate classification (germline): Benign. Review status: criteria provided, multiple submitters, no conflicts (2 of 4 stars). 2 submissions from 2 submitters: Benign (2). Last evaluated 2026-09-01.

Allele frequency attached by ClinVar (database versions not stated): 1000 Genomes Project 0.00160; 1000 Genomes Project 30x 0.00187; gnomAD 0.00344 and 0.00355; TOPMed 0.00351; gnomAD exomes 0.00368.
gnomAD v4.1: 1,443 of 400,324 alleles (0.36%); highest among the groups gnomAD compares: Admixed American, 0.5%; 4 homozygotes.

Submissions (2):

CeGaT Center for Human Genetics Tuebingen
Classification: Benign. Last evaluated: 2026-09-01. Review status: criteria provided, single submitter. Criteria: CeGaT Center For Human Genetics Tuebingen Variant Classification Criteria Version 2. Collection method: clinical testing. Allele origin: germline. Affected: yes. Observed: 34 variant alleles.
Comment: MBD5: BS1, BS2

GeneDx
Classification: Benign. Last evaluated: 2013-12-05. Review status: criteria provided, single submitter. Criteria: GeneDx Variant Classification (06012015). Collection method: clinical testing. Allele origin: germline. Affected: yes.
Comment: This variant is considered likely benign or benign based on one or more of the following criteria: it is a conservative change, it occurs at a poorly conserved position in the protein, it is predicted to be benign by multiple in silico algorithms, and/or has population frequency not consistent with disease.